The following is an entry in ClinVar:

ClinVar aggregate classification (germline): Benign/Likely benign. Review status: criteria provided, multiple submitters, no conflicts (2 of 4 stars). 4 submissions from 4 submitters: Benign (2); Likely benign (2). Last evaluated 2026-01-19.

Conditions:
Orthostatic hypotension 1 (ORTHYP1). Also called: Dopamine beta-hydroxylase deficiency; NORADRENALINE DEFICIENCY; NOREPINEPHRINE DEFICIENCY; Orthostatic hypotension 1, due to DBH deficiency. Identifiers: Orphanet 230, MedGen C4746777, MONDO:0009123, OMIM 223360.
DBH-related disorder. Also called: DBH-related condition.

Allele frequency attached by ClinVar (database versions not stated): gnomAD exomes 0.00011 and 0.00024; ExAC 0.00027; 1000 Genomes Project 0.00060; 1000 Genomes Project 30x 0.00078; gnomAD 0.00106 and 0.00113; ESP Exome Variant Server 0.00108; TOPMed 0.00137.
gnomAD v4.1: 332 of 1,605,086 alleles (0.021%); highest among the groups gnomAD compares: African/African-American, 0.36%; 1 homozygote.

Submissions (4):

Labcorp Genetics (formerly Invitae), Labcorp
Classification: Benign for Orthostatic hypotension 1. Last evaluated: 2026-01-19. Review status: criteria provided, single submitter. Criteria: Invitae Variant Classification Sherloc (09022015). Collection method: clinical testing. Allele origin: germline.

Blueprint Genetics
Classification: Likely benign. Last evaluated: 2024-11-25. Review status: criteria provided, single submitter. Criteria: ACMG Guidelines, 2015. Collection method: clinical testing. Allele origin: germline.

PreventionGenetics, part of Exact Sciences
Classification: Likely benign for DBH-related condition. Last evaluated: 2024-11-06. Review status: criteria provided, single submitter. Criteria: ACMG Guidelines, 2015. Collection method: clinical testing. Allele origin: germline.
Comment: This variant is classified as likely benign based on ACMG/AMP sequence variant interpretation guidelines (Richards et al. 2015 PMID: 25741868, with internal and published modifications).

Breakthrough Genomics
Classification: Benign. Review status: criteria provided, single submitter. Criteria: ACMG Guidelines, 2015. Collection method: not provided. Allele origin: germline. Inheritance: Autosomal recessive inheritance. Affected: yes.

NM_000787.4(DBH):c.315C>T (p.Thr105=)

Gene: DBH (dopamine beta-hydroxylase; plus strand). Cytogenetic location: 9q34.2.
Variant type: single nucleotide variant.
Coding change: c.315C>T on transcript NM_000787.4 (MANE Select); coding-DNA position 315, C replaced by T.
Protein change: p.Thr105=; no amino-acid change (threonine 105 retained).
Molecular consequence: synonymous variant.
Genome position (GRCh38, 1-based): chr9:133,636,686, C>T. VCF-style: chr9-133636686-C-T. GRCh37 (hg19) VCF-style: chr9-136501808-C-T.
Identifiers: ClinVar variation 791716 (VCV000791716.13), dbSNP rs143151641, ClinGen allele CA5313003.